The following is an entry in ClinVar:

NM_001283009.2(RTEL1):c.3061C>T (p.His1021Tyr)

Genes: RTEL1 (regulator of telomere elongation helicase 1; plus strand), RTEL1-TNFRSF6B (RTEL1-TNFRSF6B readthrough (NMD candidate); plus strand). Cytogenetic location: 20q13.33.
Variant type: single nucleotide variant.
Coding change: c.3061C>T on transcript NM_001283009.2 (MANE Select); coding-DNA position 3061, C replaced by T.
Protein change: p.His1021Tyr; replaces histidine 1021 with tyrosine.
Molecular consequence: missense variant. On other transcripts: non-coding transcript variant (1).
Genome position (GRCh38, 1-based): chr20:63,694,440, C>T. VCF-style: chr20-63694440-C-T. GRCh37 (hg19) VCF-style: chr20-62325793-C-T.
Other names: c.2392C>T, p.His798Tyr (NM_001283010.1); c.3061C>T, p.His1021Tyr (NM_016434.4); c.3133C>T, p.His1045Tyr (NM_032957.5); short protein forms H1021Y, H798Y, H1045Y.
Identifiers: ClinVar variation 4157577 (VCV004157577.1).
Genomic context (GRCh38, chr20:63,694,440, plus strand): 5'-GCGCCGGATCCCAAGCTGACCGTGTCCACGGCTGCAGCCCAGCAGCTGGACCCCCAAGAG[C>T]ACCTGAACCAGGGCAGGCCCCACCTGTCGCCCAGGCCACCCCCAACAGGTAGCTGACTCC-3'
Protein context (NP_001269938.1, residues 1011-1031): AAAQQLDPQE[His1021Tyr]LNQGRPHLSP

ClinVar aggregate classification (germline): Uncertain significance (1 of 4 stars; one submission).

Conditions:
Inborn genetic diseases. Identifiers: MedGen C0950123, MeSH D030342.

Submission:

Ambry Genetics
Classification: Uncertain significance for Inborn genetic diseases. Last evaluated: 2025-06-27. Review status: criteria provided, single submitter. Criteria: Ambry Variant Classification Scheme 2023. Collection method: clinical testing. Allele origin: germline.
Comment: The p.H1021Y variant (also known as c.3061C>T), located in coding exon 30 of the RTEL1 gene, results from a C to T substitution at nucleotide position 3061. The histidine at codon 1021 is replaced by tyrosine, an amino acid with similar properties. This amino acid position is conserved. In addition, the in silico prediction for this alteration is inconclusive. Based on the available evidence, the clinical significance of this variant remains unclear.